The following is an entry in ClinVar:

NC_000013.11:g.113105720T>C

Gene: F7 (coagulation factor VII; plus strand). Cytogenetic location: 13q34.
Variant type: single nucleotide variant.
Genome position: GRCh38 VCF-style: chr13-113105720-T-C. GRCh37 (hg19) VCF-style: chr13-113760034-T-C.
Identifiers: ClinVar variation 1249500 (VCV001249500.4), dbSNP rs561241, ClinGen allele CA13892491.

ClinVar aggregate classification (germline): Benign. Review status: criteria provided, multiple submitters, no conflicts (2 of 4 stars). 2 submissions from 2 submitters: Benign (2). Last evaluated 2021-06-19.

Allele frequency attached by ClinVar (database versions not stated): TOPMed 0.12599; gnomAD exomes 0.12647; gnomAD 0.12308 and 0.11893; 1000 Genomes Project 30x 0.14194; 1000 Genomes Project 0.14357.

Submissions (2):

GeneDx
Classification: Benign. Last evaluated: 2021-06-19. Review status: criteria provided, single submitter. Criteria: GeneDx Variant Classification Process June 2021. Collection method: clinical testing. Allele origin: germline. Affected: yes.
Comment: This variant is associated with the following publications: (PMID: 17292373)

Breakthrough Genomics
Classification: Benign. Review status: criteria provided, single submitter. Criteria: ACMG Guidelines, 2015. Collection method: not provided. Allele origin: germline. Inheritance: Autosomal recessive inheritance. Affected: yes.